The following is an entry in ClinVar:

ClinVar aggregate classification (germline): Pathogenic. Review status: criteria provided, multiple submitters, no conflicts (2 of 4 stars). 3 submissions from 3 submitters: Pathogenic (2). 1 of the submissions does not count toward it. Last evaluated 2023-08-17.

Conditions:
Epidermolytic hyperkeratosis 1 (EHK1). Also called: BULLOUS ERYTHRODERMA ICHTHYOSIFORMIS CONGENITA OF BROCQ; BULLOUS CONGENITAL ICHTHYOSIFORM ERYTHRODERMA. Identifiers: MedGen C5781874, MONDO:0700249, OMIM 113800.

Submissions (3):

Illumina Laboratory Services, Illumina
Classification: Pathogenic for Epidermolytic hyperkeratosis 1. Last evaluated: 2023-08-17. Review status: criteria provided, single submitter. Criteria: ICSLVariantClassificationCriteria RUGD 01 April 2020. Collection method: clinical testing. Allele origin: unknown.
Comment: The KRT1 c.591+1G>C variant results in a substitution at the consensus splice donor site and has been shown to cause an in-frame deletion of a portion of the highly conserved helix initiation motif of the alpha-helical rod domain through the use of a cryptic splice site. This region is critical for keratin intermediate filament assembly and function (PMID: 14708600). This variant has been observed in an individual with a phenotype consistent with epidermolytic ichthyosis (PMID: 14708600). Other variants affecting the same, or neighboring nucleotide have also been reported in individuals with a phenotype consistent with epidermolytic ichthyosis (PMID: 14708600; 12406346). This variant is not observed in version 2.1.1 or version 3.1.2 of the Genome Aggregation Database. Based on the available evidence, the c.591+1G>C variant is classified as pathogenic for epidermolytic ichthyosis.

CeGaT Center for Human Genetics Tuebingen
Classification: Pathogenic. Last evaluated: 2018-02-01. Review status: criteria provided, single submitter. Criteria: CeGaT Center For Human Genetics Tuebingen Variant Classification Criteria Version 2. Collection method: clinical testing. Allele origin: germline. Affected: yes. Observed: 1 variant allele.

Epithelial Biology;  Institute of Medical Biology, Singapore
No classification provided. Review status: no classification provided. Collection method: not provided. Allele origin: not provided. Not counted in ClinVar's aggregate classification.

NM_006121.4(KRT1):c.591+1G>C

Gene: KRT1 (keratin 1; minus strand). Cytogenetic location: 12q13.13.
Variant type: single nucleotide variant.
Coding change: c.591+1G>C on transcript NM_006121.4 (MANE Select); the canonical splice donor site of the intron after coding-DNA position 591, G replaced by C.
Molecular consequence: splice donor variant.
Genome position (GRCh38, 1-based): chr12:52,679,757, C>G on the plus strand (G>C on the coding strand, the complement: KRT1 is on the minus strand). VCF-style: chr12-52679757-C-G. GRCh37 (hg19) VCF-style: chr12-53073541-C-G.
Identifiers: ClinVar variation 66656 (VCV000066656.43), dbSNP rs267607422, ClinGen allele CA217466.